The following is an entry in ClinVar:

NM_001009944.3(PKD1):c.2027C>T (p.Pro676Leu)

Gene: PKD1 (polycystin 1, transient receptor potential channel interacting; minus strand). Cytogenetic location: 16p13.3.
Variant type: single nucleotide variant.
Coding change: c.2027C>T on transcript NM_001009944.3 (MANE Select); coding-DNA position 2027, C replaced by T.
Protein change: p.Pro676Leu; replaces proline 676 with leucine.
Molecular consequence: missense variant.
Genome position (GRCh38, 1-based): chr16:2,115,448, G>A on the plus strand (C>T on the coding strand, the complement: PKD1 is on the minus strand). VCF-style: chr16-2115448-G-A. GRCh37 (hg19) VCF-style: chr16-2165449-G-A.
Other names: c.2027C>T, p.Pro676Leu (NM_000296.4); short protein forms P676L.
Identifiers: ClinVar variation 3902628 (VCV003902628.2).

ClinVar aggregate classification (germline): Uncertain significance (1 of 4 stars; one submission).

Submission:

Women's Health and Genetics/Laboratory Corporation of America, LabCorp
Classification: Uncertain significance. Last evaluated: 2026-03-30. Review status: criteria provided, single submitter. Criteria: LabCorp Variant Classification Summary - May 2015. Collection method: clinical testing. Allele origin: germline.
Comment: Variant summary: PKD1 c.2027C>T (p.Pro676Leu) results in a non-conservative amino acid change in the encoded protein sequence. Algorithms developed to predict the effect of missense changes on protein structure and function are either unavailable or do not agree on the potential impact of this missense change. The frequency data for this variant in gnomAD is considered unreliable, as metrics indicate poor data quality at this position. To our knowledge, no occurrence of c.2027C>T in individuals affected with PKD1-related conditions and no experimental evidence demonstrating its impact on protein function have been reported. No submitters have cited clinical-significance assessments for this variant to ClinVar. Based on the evidence outlined above, the variant was classified as uncertain significance.